The following is an entry in ClinVar:

NM_000168.6(GLI3):c.2802G>A (p.Ala934=)

Gene: GLI3 (GLI family zinc finger 3; minus strand). Cytogenetic location: 7p14.1.
Variant type: single nucleotide variant.
Coding change: c.2802G>A on transcript NM_000168.6 (MANE Select); coding-DNA position 2802, G replaced by A.
Protein change: p.Ala934=; no amino-acid change (alanine 934 retained).
Molecular consequence: synonymous variant.
Genome position (GRCh38, 1-based): chr7:41,966,271, C>T on the plus strand (G>A on the coding strand, the complement: GLI3 is on the minus strand). VCF-style: chr7-41966271-C-T. GRCh37 (hg19) VCF-style: chr7-42005869-C-T.
Identifiers: ClinVar variation 255432 (VCV000255432.18), dbSNP rs61730503, ClinGen allele CA4230521.

ClinVar aggregate classification (germline): Benign/Likely benign. Review status: criteria provided, multiple submitters, no conflicts (2 of 4 stars). 8 submissions from 6 submitters: Benign (7); Likely benign (1). Last evaluated 2026-01-27.

Conditions:
Greig cephalopolysyndactyly syndrome (GCPS). Also called: GLI3-Related Greig Cephalopolysyndactyly Syndrome; POLYSYNDACTYLY WITH PECULIAR SKULL SHAPE; Greig syndrome. Identifiers: Orphanet 380, MedGen C0265306, MONDO:0008287, OMIM 175700.
Polydactyly, postaxial, type A1. Identifiers: MedGen C4282400, MONDO:0008266, OMIM 174200.
Polysyndactyly 4. Also called: Polysyndactyly uncomplicated; Preaxial polydactyly 4. Identifiers: Orphanet 93338, MedGen C1868111, MONDO:0008272, OMIM 174700.
Pallister-Hall syndrome (PHS). Also called: HYPOTHALAMIC HAMARTOBLASTOMA, HYPOPITUITARISM, IMPERFORATE ANUS, AND POSTAXIAL POLYDACTYLY; GLI3-Related Pallister-Hall Syndrome. Identifiers: Orphanet 672, MedGen C0265220, MONDO:0007804, OMIM 146510.
Polydactyly. Also called: polydactylism. Identifiers: MedGen C0152427, MONDO:0021003, OMIM 603596, HP:0010442.

Allele frequency attached by ClinVar (database versions not stated): ExAC 0.00151; gnomAD 0.00520 and 0.00495; 1000 Genomes Project 0.00819; 1000 Genomes Project 30x 0.00843; ESP Exome Variant Server 0.00431; TOPMed 0.00519.
gnomAD v4.1: 1,461 of 1,607,900 alleles (0.091%); highest among the groups gnomAD compares: African/African-American, 1.7%; 10 homozygotes.

Submissions (8):

Labcorp Genetics (formerly Invitae), Labcorp
Classification: Benign for Pallister-Hall syndrome; Greig cephalopolysyndactyly syndrome. Last evaluated: 2026-01-27. Review status: criteria provided, single submitter. Criteria: Invitae Variant Classification Sherloc (09022015). Collection method: clinical testing. Allele origin: germline.

Blueprint Genetics
Classification: Likely benign. Last evaluated: 2024-09-18. Review status: criteria provided, single submitter. Criteria: ACMG Guidelines, 2015. Collection method: clinical testing. Allele origin: germline.

Fulgent Genetics
Classification: Benign for Pallister-Hall syndrome; Polydactyly, postaxial, type A1; Polysyndactyly 4; Greig cephalopolysyndactyly syndrome. Last evaluated: 2021-09-27. Review status: criteria provided, single submitter. Criteria: ACMG Guidelines, 2015. Collection method: clinical testing. Allele origin: unknown.

GeneDx
Classification: Benign. Last evaluated: 2019-03-13. Review status: criteria provided, single submitter. Criteria: GeneDx Variant Classification Process June 2021. Collection method: clinical testing. Allele origin: germline. Affected: yes.

Illumina Laboratory Services, Illumina
Classification: Benign for Pallister-Hall syndrome. Last evaluated: 2018-01-12. Review status: criteria provided, single submitter. Criteria: ICSL Variant Classification Criteria 13 December 2019. Collection method: clinical testing. Allele origin: germline.
Comment: This variant was observed in the ICSL laboratory as part of a predisposition screen in an ostensibly healthy population. It had not been previously curated by ICSL or reported in the Human Gene Mutation Database (HGMD: prior to June 1st, 2018), and was therefore a candidate for classification through an automated scoring system. Utilizing variant allele frequency, disease prevalence and penetrance estimates, and inheritance mode, an automated score was calculated to assess if this variant is too frequent to cause the disease. Based on the score and internal cut-off values, a variant classified as benign is not then subjected to further curation. The score for this variant resulted in a classification of benign for this disease.

Illumina Laboratory Services, Illumina
Classification: Benign for Greig cephalopolysyndactyly syndrome. Last evaluated: 2018-01-12. Review status: criteria provided, single submitter. Criteria: ICSL Variant Classification Criteria 13 December 2019. Collection method: clinical testing. Allele origin: germline.
Comment: the same text as in the submission from Illumina Laboratory Services, Illumina above.

Illumina Laboratory Services, Illumina
Classification: Benign for Polydactyly. Last evaluated: 2018-01-12. Review status: criteria provided, single submitter. Criteria: ICSL Variant Classification Criteria 13 December 2019. Collection method: clinical testing. Allele origin: germline.
Comment: the same text as in the submission from Illumina Laboratory Services, Illumina above.

PreventionGenetics, part of Exact Sciences
Classification: Benign. Review status: criteria provided, single submitter. Criteria: ACMG Guidelines, 2015. Collection method: clinical testing. Allele origin: germline.